The following is an entry in ClinVar:

ClinVar aggregate classification (germline): Uncertain significance (1 of 4 stars; one submission).

Conditions:
Short-rib thoracic dysplasia 6 with or without polydactyly (SRTD6). Also called: SHORT-RIB THORACIC DYSPLASIA 6 WITH POLYDACTYLY; POLYDACTYLY WITH NEONATAL CHONDRODYSTROPHY, TYPE II; SHORT-RIB THORACIC DYSPLASIA 6 WITHOUT POLYDACTYLY; Majewski Syndrome; SHORT RIB-POLYDACTYLY SYNDROME, TYPE IIA. Identifiers: MedGen C0024507, MONDO:0009894, OMIM 263520.

Allele frequency attached by ClinVar (database versions not stated): gnomAD 0.00001; gnomAD exomes 0.00001 and 0.00002; TOPMed 0.00001; ExAC 0.00002; ESP Exome Variant Server 0.00009.
gnomAD v4.1: 29 of 1,607,176 alleles (0.0018%); highest among the groups gnomAD compares: Admixed American, 0.005%; no homozygotes.

Submission:

Labcorp Genetics (formerly Invitae), Labcorp
Classification: Uncertain significance for Short-rib thoracic dysplasia 6 with or without polydactyly. Last evaluated: 2024-10-30. Review status: criteria provided, single submitter. Criteria: Invitae Variant Classification Sherloc (09022015). Collection method: clinical testing. Allele origin: germline.
Comment: This sequence change replaces arginine, which is basic and polar, with glutamine, which is neutral and polar, at codon 693 of the NEK1 protein (p.Arg693Gln). This variant is present in population databases (rs370106222, gnomAD 0.003%). This variant has not been reported in the literature in individuals affected with NEK1-related conditions. ClinVar contains an entry for this variant (Variation ID: 1477711). Invitae Evidence Modeling of protein sequence and biophysical properties (such as structural, functional, and spatial information, amino acid conservation, physicochemical variation, residue mobility, and thermodynamic stability) indicates that this missense variant is not expected to disrupt NEK1 protein function with a negative predictive value of 80%. In summary, the available evidence is currently insufficient to determine the role of this variant in disease. Therefore, it has been classified as a Variant of Uncertain Significance.

NM_001199397.3(NEK1):c.2162G>A (p.Arg721Gln)

Gene: NEK1 (NIMA related kinase 1; minus strand). Cytogenetic location: 4q33.
Variant type: single nucleotide variant.
Coding change: c.2162G>A on transcript NM_001199397.3 (MANE Select); coding-DNA position 2162, G replaced by A.
Protein change: p.Arg721Gln; replaces arginine 721 with glutamine.
Molecular consequence: missense variant. On other transcripts: non-coding transcript variant (1).
Genome position (GRCh38, 1-based): chr4:169,477,475, C>T on the plus strand (G>A on the coding strand, the complement: NEK1 is on the minus strand). VCF-style: chr4-169477475-C-T. GRCh37 (hg19) VCF-style: chr4-170398626-C-T.
Other names: c.2030G>A, p.Arg677Gln (NM_001199398.3); c.1871G>A, p.Arg624Gln (NM_001199399.3); c.1946G>A, p.Arg649Gln (NM_001199400.3); c.2162G>A, p.Arg721Gln (NM_001374418.1); c.2078G>A, p.Arg693Gln (NM_001374419.1, NM_012224.4); c.2027G>A, p.Arg676Gln (NM_001374420.1); c.1856G>A, p.Arg619Gln (NM_001374421.1); short protein forms R721Q, R624Q, R649Q, R677Q, R693Q, R619Q, R676Q.
Identifiers: ClinVar variation 1477711 (VCV001477711.6), dbSNP rs370106222, ClinGen allele CA3137485.